The following is an entry in ClinVar:

ClinVar aggregate classification (germline): Conflicting classifications of pathogenicity. Review status: criteria provided, conflicting classifications (1 of 4 stars). 2 submissions from 2 submitters: Uncertain significance (1); Likely benign (1). Last evaluated 2025-10-17.

Conditions:
Hereditary cancer-predisposing syndrome. Also called: Hereditary Cancer Syndrome; Hereditary neoplastic syndrome; Neoplastic Syndromes, Hereditary; Tumor predisposition. Identifiers: Orphanet 140162, MedGen C0027672, MeSH D009386, MONDO:0015356.
Fanconi anemia complementation group O. Also called: RAD51C-Related Fanconi Anemia. Identifiers: Orphanet 84, MedGen C3150653, MONDO:0013248, OMIM 613390.

Submissions (2):

Ambry Genetics
Classification: Likely benign for Hereditary cancer-predisposing syndrome. Last evaluated: 2025-10-17. Review status: criteria provided, single submitter. Criteria: Ambry Variant Classification Scheme 2023. Collection method: clinical testing. Allele origin: germline.

Labcorp Genetics (formerly Invitae), Labcorp
Classification: Uncertain significance for Fanconi anemia complementation group O. Last evaluated: 2024-02-13. Review status: criteria provided, single submitter. Criteria: Invitae Variant Classification Sherloc (09022015). Collection method: clinical testing. Allele origin: germline.
Comment: This sequence change replaces histidine, which is basic and polar, with leucine, which is neutral and non-polar, at codon 233 of the RAD51C protein (p.His233Leu). This variant is not present in population databases (gnomAD no frequency). This variant has not been reported in the literature in individuals affected with RAD51C-related conditions. Advanced modeling of protein sequence and biophysical properties (such as structural, functional, and spatial information, amino acid conservation, physicochemical variation, residue mobility, and thermodynamic stability) performed at Invitae indicates that this missense variant is expected to disrupt RAD51C protein function with a positive predictive value of 80%. In summary, the available evidence is currently insufficient to determine the role of this variant in disease. Therefore, it has been classified as a Variant of Uncertain Significance.

NM_058216.3(RAD51C):c.698A>T (p.His233Leu)

Genes: RAD51C (RAD51 paralog C; plus strand), LOC129390903 (MPRA-validated peak2919 silencer; plus strand). Cytogenetic location: 17q22.
Variant type: single nucleotide variant.
Coding change: c.698A>T on transcript NM_058216.3 (MANE Select); coding-DNA position 698, A replaced by T.
Protein change: p.His233Leu; replaces histidine 233 with leucine.
Molecular consequence: missense variant. On other transcripts: non-coding transcript variant (1).
Genome position (GRCh38, 1-based): chr17:58,703,322, A>T. VCF-style: chr17-58703322-A-T. GRCh37 (hg19) VCF-style: chr17-56780683-A-T.
Other names: short protein forms H233L.
Identifiers: ClinVar variation 3429723 (VCV003429723.4).